The following is an entry in ClinVar:

ClinVar aggregate classification (germline): Conflicting classifications of pathogenicity. Review status: criteria provided, conflicting classifications (1 of 4 stars). 2 submissions from 2 submitters: Uncertain significance (1); Likely benign (1). Last evaluated 2024-10-23.

Conditions:
Hereditary cancer-predisposing syndrome. Also called: Tumor predisposition; Neoplastic Syndromes, Hereditary; Hereditary Cancer Syndrome; Hereditary neoplastic syndrome. Identifiers: Orphanet 140162, MedGen C0027672, MeSH D009386, MONDO:0015356.
Familial cancer of breast. Also called: Hereditary breast cancer; BREAST CANCER, FAMILIAL; hereditary breast carcinoma. Identifiers: Orphanet 227535, MedGen C0346153, MONDO:0016419, OMIM 114480. Disease mechanism: loss of function.

Allele frequency attached by ClinVar (database versions not stated): gnomAD exomes below 0.00001; ESP Exome Variant Server 0.00008.
gnomAD v4.1: 2 of 1,614,088 alleles (0.00012%); highest among the groups gnomAD compares: East Asian, 0.0022%; no homozygotes.

Submissions (2):

Ambry Genetics
Classification: Likely benign for Hereditary cancer-predisposing syndrome. Last evaluated: 2024-10-23. Review status: criteria provided, single submitter. Criteria: Ambry Variant Classification Scheme 2023. Collection method: clinical testing. Allele origin: germline.

Labcorp Genetics (formerly Invitae), Labcorp
Classification: Uncertain significance for Familial cancer of breast. Last evaluated: 2021-09-12. Review status: criteria provided, single submitter. Criteria: Invitae Variant Classification Sherloc (09022015). Collection method: clinical testing. Allele origin: germline.
Comment: In summary, the available evidence is currently insufficient to determine the role of this variant in disease. Therefore, it has been classified as a Variant of Uncertain Significance. This sequence change replaces proline with leucine at codon 656 of the PALB2 protein (p.Pro656Leu). The proline residue is weakly conserved and there is a moderate physicochemical difference between proline and leucine. This variant is not present in population databases (ExAC no frequency). Algorithms developed to predict the effect of missense changes on protein structure and function output the following: SIFT: "Tolerated"; PolyPhen-2: "Benign"; Align-GVGD: "Class C0". The leucine amino acid residue is found in multiple mammalian species, which suggests that this missense change does not adversely affect protein function.

NM_024675.4(PALB2):c.1967C>T (p.Pro656Leu)

Gene: PALB2 (partner and localizer of BRCA2; minus strand). Cytogenetic location: 16p12.2.
Variant type: single nucleotide variant.
Coding change: c.1967C>T on transcript NM_024675.4 (MANE Select); coding-DNA position 1967, C replaced by T.
Protein change: p.Pro656Leu; replaces proline 656 with leucine.
Molecular consequence: missense variant.
Genome position (GRCh38, 1-based): chr16:23,630,187, G>A on the plus strand (C>T on the coding strand, the complement: PALB2 is on the minus strand). VCF-style: chr16-23630187-G-A. GRCh37 (hg19) VCF-style: chr16-23641508-G-A.
Other names: c.1967C>T (NM_024675.3); short protein forms P656L.
Identifiers: ClinVar variation 1380801 (VCV001380801.8), dbSNP rs370360082, ClinGen allele CA279493140.